The following is an entry in ClinVar:

NM_001942.4(DSG1):c.1218C>A (p.Asp406Glu)

Gene: DSG1 (desmoglein 1; plus strand). Cytogenetic location: 18q12.1.
Variant type: single nucleotide variant.
Coding change: c.1218C>A on transcript NM_001942.4 (MANE Select); coding-DNA position 1218, C replaced by A.
Protein change: p.Asp406Glu; replaces aspartic acid 406 with glutamic acid.
Molecular consequence: missense variant.
Genome position (GRCh38, 1-based): chr18:31,336,566, C>A. VCF-style: chr18-31336566-C-A. GRCh37 (hg19) VCF-style: chr18-28916529-C-A.
Other names: c.1218C>A (NM_001942.2); short protein forms D406E.
Identifiers: ClinVar variation 1377472 (VCV001377472.9), dbSNP rs147377474, ClinGen allele CA8926038.
Genomic context (GRCh38, chr18:31,336,566, plus strand): 5'-TCCAGGTTCAAAGACATATGTTGTAACTGGTAATATGGGATCAAATGATAAAGTGGGAGA[C>A]TTTGTAGCTACTGACCTGGACACAGGTAGACCTTCAACGACTGTTAGGTAAGAATGAGAT-3'
Protein context (NP_001933.2, residues 396-416): GNMGSNDKVG[Asp406Glu]FVATDLDTGR

ClinVar aggregate classification (germline): Conflicting classifications of pathogenicity. Review status: criteria provided, conflicting classifications (1 of 4 stars). 2 submissions from 2 submitters: Uncertain significance (1); Likely benign (1). Last evaluated 2025-12-03.

Conditions:
Inborn genetic diseases. Identifiers: MedGen C0950123, MeSH D030342.

Allele frequency attached by ClinVar (database versions not stated): ExAC 0.00007; ESP Exome Variant Server 0.00008; gnomAD 0.00011.
gnomAD v4.1: 35 of 1,613,994 alleles (0.0022%); highest among the groups gnomAD compares: African/African-American, 0.033%; no homozygotes.

Submissions (2):

Labcorp Genetics (formerly Invitae), Labcorp
Classification: Uncertain significance. Last evaluated: 2025-12-03. Review status: criteria provided, single submitter. Criteria: Invitae Variant Classification Sherloc (09022015). Collection method: clinical testing. Allele origin: germline.
Comment: This sequence change replaces aspartic acid, which is acidic and polar, with glutamic acid, which is acidic and polar, at codon 406 of the DSG1 protein (p.Asp406Glu). This variant is present in population databases (rs147377474, gnomAD 0.04%). This variant has not been reported in the literature in individuals affected with DSG1-related conditions. ClinVar contains an entry for this variant (Variation ID: 1377472). Invitae Evidence Modeling of protein sequence and biophysical properties (such as structural, functional, and spatial information, amino acid conservation, physicochemical variation, residue mobility, and thermodynamic stability) indicates that this missense variant is not expected to disrupt DSG1 protein function with a negative predictive value of 80%. In summary, the available evidence is currently insufficient to determine the role of this variant in disease. Therefore, it has been classified as a Variant of Uncertain Significance.

Ambry Genetics
Classification: Likely benign for Inborn genetic diseases. Last evaluated: 2022-04-22. Review status: criteria provided, single submitter. Criteria: Ambry Variant Classification Scheme 2023. Collection method: clinical testing. Allele origin: germline.